The following is an entry in ClinVar:

NM_017763.6(RNF43):c.451-9C>T

Gene: RNF43 (ring finger protein 43; minus strand). Cytogenetic location: 17q22.
Variant type: single nucleotide variant.
Coding change: c.451-9C>T on transcript NM_017763.6 (MANE Select); 9 bases into the intron before coding-DNA position 451, C replaced by T.
Molecular consequence: intron variant.
Genome position (GRCh38, 1-based): chr17:58,363,415, G>A on the plus strand (C>T on the coding strand, the complement: RNF43 is on the minus strand). VCF-style: chr17-58363415-G-A. GRCh37 (hg19) VCF-style: chr17-56440776-G-A.
Other names: c.451-9C>T (NM_001438822.1, NM_001305544.3, NM_001438820.1 and 1 more transcripts); c.70-9C>T (NM_001305545.2, NM_001437987.1).
Identifiers: ClinVar variation 4875695 (VCV004875695.1).
Genomic context (GRCh38, chr17:58,363,415, plus strand): 5'-CATTACCCCAGATCAACACCACTGGCCAGGTCAGCCCCAGCGGCTGCTGCAGCTACAGGG[G>A]GAAAGTGCCCACAGGGCTGCTGTGACTTCTCCCTGCCCTTCCCTCTCCCCTGAGAGCTTT-3'

ClinVar aggregate classification (germline): Likely benign (1 of 4 stars; one submission).

Conditions:
Sessile serrated polyposis cancer syndrome (SSPCS). Identifiers: Orphanet 157798, MedGen C4310714, MONDO:0014919, OMIM 617108.

gnomAD v4.1: 1 of 1,614,116 alleles (0.000062%); highest among the groups gnomAD compares: Non-Finnish European, 0.000085%; no homozygotes.

Submission:

Myriad Genetics, Inc.
Classification: Likely benign for Sessile serrated polyposis cancer syndrome. Last evaluated: 2026-06-26. Review status: criteria provided, single submitter. Criteria: Myriad Autosomal Dominant, Autosomal Recessive and X-Linked Classification Criteria (2023). Collection method: clinical testing. Allele origin: unknown.
Comment: This variant is considered likely benign. This variant is intronic and is not expected to impact mRNA splicing.